The following is an entry in ClinVar:

NM_032578.4(MYPN):c.3285+140C>T

Gene: MYPN (myopalladin; plus strand). Cytogenetic location: 10q21.3.
Variant type: single nucleotide variant.
Coding change: c.3285+140C>T on transcript NM_032578.4 (MANE Select); 140 bases into the intron after coding-DNA position 3285, C replaced by T.
Molecular consequence: intron variant.
Genome position (GRCh38, 1-based): chr10:68,197,618, C>T. VCF-style: chr10-68197618-C-T. GRCh37 (hg19) VCF-style: chr10-69957375-C-T.
Other names: c.3285+140C>T (NM_001256267.2); c.2403+140C>T (NM_001256268.2).
Identifiers: ClinVar variation 671150 (VCV000671150.2), dbSNP rs7095492, ClinGen allele CA208224645.

ClinVar aggregate classification (germline): Benign. Review status: criteria provided, multiple submitters, no conflicts (2 of 4 stars). 2 submissions from 2 submitters: Benign (2). Last evaluated 2018-06-16.

Allele frequency attached by ClinVar (database versions not stated): 1000 Genomes Project 30x 0.49453; 1000 Genomes Project 0.49541; TOPMed 0.55787; gnomAD 0.57920 and 0.58009; gnomAD exomes 0.66650.
gnomAD v4.1: 663,214 of 1,016,610 alleles (65%); highest among the groups gnomAD compares: Non-Finnish European, 69%; 221,782 homozygotes.

Submissions (2):

GeneDx
Classification: Benign. Last evaluated: 2018-06-16. Review status: criteria provided, single submitter. Criteria: GeneDx Variant Classification (06012015). Collection method: clinical testing. Allele origin: germline. Affected: yes.
Comment: This variant is considered likely benign or benign based on one or more of the following criteria: it is a conservative change, it occurs at a poorly conserved position in the protein, it is predicted to be benign by multiple in silico algorithms, and/or has population frequency not consistent with disease.

Breakthrough Genomics
Classification: Benign. Review status: criteria provided, single submitter. Criteria: ACMG Guidelines, 2015. Collection method: not provided. Allele origin: germline. Inheritance: Autosomal recessive inheritance. Affected: yes.